The following is an entry in ClinVar:

ClinVar aggregate classification (germline): Uncertain significance (1 of 4 stars; one submission).

gnomAD v4.1: 1 of 1,608,902 alleles (0.000062%); highest among the groups gnomAD compares: Non-Finnish European, 0.000085%; no homozygotes.

Submission:

Labcorp Genetics (formerly Invitae), Labcorp
Classification: Uncertain significance. Last evaluated: 2024-10-25. Review status: criteria provided, single submitter. Criteria: Invitae Variant Classification Sherloc (09022015). Collection method: clinical testing. Allele origin: germline.
Comment: This sequence change replaces serine, which is neutral and polar, with alanine, which is neutral and non-polar, at codon 1338 of the ZNF292 protein (p.Ser1338Ala). This variant is not present in population databases (gnomAD no frequency). This variant has not been reported in the literature in individuals affected with ZNF292-related conditions. An algorithm developed to predict the effect of missense changes on protein structure and function (PolyPhen-2) suggests that this variant is likely to be tolerated. In summary, the available evidence is currently insufficient to determine the role of this variant in disease. Therefore, it has been classified as a Variant of Uncertain Significance.

NM_015021.3(ZNF292):c.4012T>G (p.Ser1338Ala)

Gene: ZNF292 (zinc finger protein 292; plus strand). Cytogenetic location: 6q14.3.
Variant type: single nucleotide variant.
Coding change: c.4012T>G on transcript NM_015021.3 (MANE Select); coding-DNA position 4012, T replaced by G.
Protein change: p.Ser1338Ala; replaces serine 1338 with alanine.
Molecular consequence: missense variant.
Genome position (GRCh38, 1-based): chr6:87,257,641, T>G. VCF-style: chr6-87257641-T-G. GRCh37 (hg19) VCF-style: chr6-87967359-T-G.
Other names: c.3592T>G, p.Ser1198Ala (NM_001351444.2); short protein forms S1198A, S1338A.
Identifiers: ClinVar variation 3723790 (VCV003723790.2).